The following is an entry in ClinVar:

NM_017950.4(CCDC40):c.2619+4C>T

Gene: CCDC40 (coiled-coil domain 40 molecular ruler complex subunit; plus strand). Cytogenetic location: 17q25.3.
Variant type: single nucleotide variant.
Coding change: c.2619+4C>T on transcript NM_017950.4 (MANE Select); 4 bases into the intron after coding-DNA position 2619, C replaced by T.
Molecular consequence: intron variant.
Genome position (GRCh38, 1-based): chr17:80,087,780, C>T. VCF-style: chr17-80087780-C-T. GRCh37 (hg19) VCF-style: chr17-78061579-C-T.
Other names: c.2619+4C>T (NM_001243342.2).
Identifiers: ClinVar variation 4741291 (VCV004741291.1).
Genomic context (GRCh38, chr17:80,087,780, plus strand): 5'-GAGGAGCTGGAGCAGAACAACCGGGTGACAGAGAATGAGTTCGTGCGCTCGCTGAAGGTC[C>T]GGCCGTGTCCACGCAGTCCCGGGGCTCAGGACGATGGAGGGCGGGGGTACGGTCCTTGCG-3'

ClinVar aggregate classification (germline): Uncertain significance (1 of 4 stars; one submission).

Conditions:
Primary ciliary dyskinesia. Also called: Ciliary dyskinesia. Identifiers: Orphanet 244, MedGen C0008780, MONDO:0016575, HP:0012265.

gnomAD v4.1: 17 of 1,613,592 alleles (0.0011%); highest among the groups gnomAD compares: Admixed American, 0.0083%; no homozygotes.

Submission:

Labcorp Genetics (formerly Invitae), Labcorp
Classification: Uncertain significance for Primary ciliary dyskinesia. Last evaluated: 2025-04-03. Review status: criteria provided, single submitter. Criteria: Invitae Variant Classification Sherloc (09022015). Collection method: clinical testing. Allele origin: germline.
Comment: This sequence change falls in intron 15 of the CCDC40 gene. It does not directly change the encoded amino acid sequence of the CCDC40 protein. It affects a nucleotide within the consensus splice site. This variant is present in population databases (rs764834777, gnomAD 0.009%). This variant has not been reported in the literature in individuals affected with CCDC40-related conditions. Variants that disrupt the consensus splice site are a relatively common cause of aberrant splicing (PMID: 17576681, 9536098). Algorithms developed to predict the effect of sequence changes on RNA splicing suggest that this variant is not likely to affect RNA splicing. In summary, the available evidence is currently insufficient to determine the role of this variant in disease. Therefore, it has been classified as a Variant of Uncertain Significance.

Literature cited by the submitters: PubMed 17576681; PubMed 9536098.